The following is an entry in ClinVar:

ClinVar aggregate classification (germline): Likely pathogenic (1 of 4 stars; one submission).

Conditions:
Autosomal recessive limb-girdle muscular dystrophy. Identifiers: Orphanet 102015, MedGen C2931907, MONDO:0015152.

Submission:

Women's Health and Genetics/Laboratory Corporation of America, LabCorp
Classification: Likely pathogenic for Autosomal recessive limb-girdle muscular dystrophy. Last evaluated: 2022-06-24. Review status: criteria provided, single submitter. Criteria: LabCorp Variant Classification Summary - May 2015. Collection method: clinical testing. Allele origin: germline.
Comment: Variant summary: CAPN3 c.545T>A (p.Leu182Gln) results in a non-conservative amino acid change located in the Peptidase C2, calpain, catalytic domain of the encoded protein sequence. Five of five in-silico tools predict a damaging effect of the variant on protein function. The variant was absent in 251442 control chromosomes. c.545T>A has been reported in the literature in individuals affected with Limb-Girdle Muscular Dystrophy, however second alleles were not reported in these patients (Richard_1995, Krahn_2006). These reports do not provide unequivocal conclusions about association of the variant with Limb-Girdle Muscular Dystrophy, Autosomal Recessive. One functional study reported the variant to result in the loss of rapid autolyzing acitivity (Ono_1998), and other studies have shown the loss of protease activity is likely the prime cause of LGMD2A (Ono_1999). No clinical diagnostic laboratories have submitted clinical-significance assessments for this variant to ClinVar after 2014. Based on the evidence outlined above, the variant was classified as likely pathogenic.

Literature cited by the submitters: PubMed 16650086; PubMed 9642272; PubMed 7720071.

NM_000070.3(CAPN3):c.545T>A (p.Leu182Gln)

Gene: CAPN3 (calpain 3; plus strand). Cytogenetic location: 15q15.1.
Variant type: single nucleotide variant.
Coding change: c.545T>A on transcript NM_000070.3 (MANE Select); coding-DNA position 545, T replaced by A.
Protein change: p.Leu182Gln; replaces leucine 182 with glutamine.
Molecular consequence: missense variant.
Genome position (GRCh38, 1-based): chr15:42,387,799, T>A. VCF-style: chr15-42387799-T-A. GRCh37 (hg19) VCF-style: chr15-42679997-T-A.
Other names: c.545T>A, p.Leu182Gln (NM_024344.2, NM_173087.2); short protein forms L182Q.
Identifiers: ClinVar variation 1698630 (VCV001698630.1), dbSNP rs2141164715, ClinGen allele CA391997842.
Genomic context (GRCh38, chr15:42,387,799, plus strand): 5'-ACGCTTCTGTGCAGTTCTGGCGCTATGGAGAGTGGGTGGACGTGGTTATAGATGACTGCC[T>A]GCCAACGTACAACAATCAACTGGTTTTCACCAAGTCCAACCACCGCAATGAGTTCTGGAG-3'
Protein context (NP_000061.1, residues 172-192): EWVDVVIDDC[Leu182Gln]PTYNNQLVFT